The following is an entry in ClinVar:

NM_001384474.1(LOXHD1):c.6071C>A (p.Thr2024Lys)

Gene: LOXHD1 (lipoxygenase homology PLAT domains 1; minus strand). Cytogenetic location: 18q21.1.
Variant type: single nucleotide variant.
Coding change: c.6071C>A on transcript NM_001384474.1 (MANE Select); coding-DNA position 6071, C replaced by A.
Protein change: p.Thr2024Lys; replaces threonine 2024 with lysine.
Molecular consequence: missense variant.
Genome position (GRCh38, 1-based): chr18:46,485,130, G>T on the plus strand (C>A on the coding strand, the complement: LOXHD1 is on the minus strand). VCF-style: chr18-46485130-G-T. GRCh37 (hg19) VCF-style: chr18-44065093-G-T.
Other names: c.2738C>A, p.Thr913Lys (NM_001145472.3); c.788C>A, p.Thr263Lys (NM_001145473.3, NM_001173129.2); c.2450C>A, p.Thr817Lys (NM_001308013.2); c.5885C>A, p.Thr1962Lys (NM_144612.7); short protein forms T1962K, T2024K, T263K, T817K, T913K.
Identifiers: ClinVar variation 3601210 (VCV003601210.1).

ClinVar aggregate classification (germline): Likely pathogenic. Review status: criteria provided, multiple submitters, no conflicts (2 of 4 stars). 2 submissions from 2 submitters: Likely pathogenic (2). Last evaluated 2025-09-23.

Conditions:
Autosomal recessive nonsyndromic hearing loss 77. Identifiers: Orphanet 90636, MedGen C2746083, MONDO:0013119, OMIM 613079.

Submissions (2):

First Genomix Gene Laboratory, Genetic Diagnostics Department
Classification: Likely pathogenic for Autosomal recessive nonsyndromic hearing loss 77. Last evaluated: 2025-09-23. Review status: criteria provided, single submitter. Criteria: ACMG Guidelines, 2015. Collection method: clinical testing. Allele origin: germline. Inheritance: Autosomal recessive inheritance. Affected: no. Observed: 1 variant allele.

Institute of Rare Diseases, West China Hospital, Sichuan University
Classification: Likely pathogenic for Autosomal recessive nonsyndromic hearing loss 77. Last evaluated: 2025-01-09. Review status: criteria provided, single submitter. Criteria: ClinGen HL ACMG Specifications v1. Collection method: research. Allele origin: germline. Affected: yes.
Comment: PM3;PM5;PP1;PM2_Supporting